The following is an entry in ClinVar:

ClinVar aggregate classification (germline): Uncertain significance. Review status: criteria provided, multiple submitters, no conflicts (2 of 4 stars). 2 submissions from 2 submitters: Uncertain significance (2). Last evaluated 2025-07-13.

Conditions:
Inborn genetic diseases. Identifiers: MedGen C0950123, MeSH D030342.

Allele frequency attached by ClinVar (database versions not stated): ExAC 0.00001; gnomAD exomes below 0.00001.
gnomAD v4.1: 2 of 1,613,960 alleles (0.00012%); highest among the groups gnomAD compares: Admixed American, 0.0017%; no homozygotes.

Submissions (2):

Labcorp Genetics (formerly Invitae), Labcorp
Classification: Uncertain significance. Last evaluated: 2025-07-13. Review status: criteria provided, single submitter. Criteria: Invitae Variant Classification Sherloc (09022015). Collection method: clinical testing. Allele origin: germline.
Comment: This sequence change replaces serine, which is neutral and polar, with glycine, which is neutral and non-polar, at codon 52 of the WNT1 protein (p.Ser52Gly). This variant is present in population databases (rs758809246, gnomAD 0.003%). This variant has not been reported in the literature in individuals affected with WNT1-related conditions. ClinVar contains an entry for this variant (Variation ID: 3011196). An algorithm developed to predict the effect of missense changes on protein structure and function (PolyPhen-2) suggests that this variant is likely to be tolerated. In summary, the available evidence is currently insufficient to determine the role of this variant in disease. Therefore, it has been classified as a Variant of Uncertain Significance.

Ambry Genetics
Classification: Uncertain significance for Inborn genetic diseases. Last evaluated: 2024-11-07. Review status: criteria provided, single submitter. Criteria: Ambry Variant Classification Scheme 2023. Collection method: clinical testing. Allele origin: germline.

NM_005430.4(WNT1):c.154A>G (p.Ser52Gly)

Gene: WNT1 (Wnt family member 1; plus strand). Cytogenetic location: 12q13.12.
Variant type: single nucleotide variant.
Coding change: c.154A>G on transcript NM_005430.4 (MANE Select); coding-DNA position 154, A replaced by G.
Protein change: p.Ser52Gly; replaces serine 52 with glycine.
Molecular consequence: missense variant.
Genome position (GRCh38, 1-based): chr12:48,979,517, A>G. VCF-style: chr12-48979517-A-G. GRCh37 (hg19) VCF-style: chr12-49373300-A-G.
Other names: c.154A>G (NM_005430.3); short protein forms S52G.
Identifiers: ClinVar variation 3011196 (VCV003011196.4), dbSNP rs758809246, ClinGen allele CA6544335.
Genomic context (GRCh38, chr12:48,979,517, plus strand): 5'-CGTCCCACCAGGGGTATTGTGAACGTAGCCTCCTCCACGAACCTGCTTACAGACTCCAAG[A>G]GTCTGCAACTGGTACTCGAGCCCAGTCTGCAGCTGTTGAGCCGCAAACAGCGGCGTCTGA-3'
Protein context (NP_005421.1, residues 42-62): SSTNLLTDSK[Ser52Gly]LQLVLEPSLQ